The following is an entry in ClinVar:

NM_000383.4(AIRE):c.308-18C>T

Gene: AIRE (autoimmune regulator; plus strand). Cytogenetic location: 21q22.3.
Variant type: single nucleotide variant.
Coding change: c.308-18C>T on transcript NM_000383.4 (MANE Select); 18 bases into the intron before coding-DNA position 308, C replaced by T.
Molecular consequence: intron variant.
Genome position (GRCh38, 1-based): chr21:44,286,960, C>T. VCF-style: chr21-44286960-C-T. GRCh37 (hg19) VCF-style: chr21-45706843-C-T.
Identifiers: ClinVar variation 2159511 (VCV002159511.1), dbSNP rs1001249116, ClinGen allele CA321787815.

ClinVar aggregate classification (germline): Uncertain significance (1 of 4 stars; one submission).

Conditions:
Polyglandular autoimmune syndrome, type 1 (APS1). Also called: HYPOADRENOCORTICISM WITH HYPOPARATHYROIDISM AND SUPERFICIAL MONILIASIS; Whitaker syndrome; Autoimmune polyendocrinopathy syndrome, type I; Autoimmune polyendocrinopathy syndrome , type I, with or without reversible metaphyseal dysplasia; AUTOIMMUNE POLYENDOCRINE SYNDROME, TYPE I, WITH OR WITHOUT REVERSIBLE METAPHYSEAL DYSPLASIA; Autoimmune polyendocrine syndrome type 1. Identifiers: Orphanet 3453, MedGen C0085859, MONDO:0009411, OMIM 240300.

Allele frequency attached by ClinVar (database versions not stated): gnomAD exomes 0.00001.
gnomAD v4.1: 9 of 1,612,768 alleles (0.00056%); highest among the groups gnomAD compares: Non-Finnish European, 0.00076%; no homozygotes.

Submission:

Labcorp Genetics (formerly Invitae), Labcorp
Classification: Uncertain significance for Polyglandular autoimmune syndrome, type 1. Last evaluated: 2022-08-29. Review status: criteria provided, single submitter. Criteria: Invitae Variant Classification Sherloc (09022015). Collection method: clinical testing. Allele origin: germline.
Comment: This sequence change falls in intron 2 of the AIRE gene. It does not directly change the encoded amino acid sequence of the AIRE protein. This variant is not present in population databases (gnomAD no frequency). This variant has not been reported in the literature in individuals affected with AIRE-related conditions. Algorithms developed to predict the effect of sequence changes on RNA splicing suggest that this variant may create or strengthen a splice site. In summary, the available evidence is currently insufficient to determine the role of this variant in disease. Therefore, it has been classified as a Variant of Uncertain Significance.